The following is an entry in ClinVar:

NC_000001.10:g.(?_215844304)_(216270565_?)del

Gene: USH2A (usherin; minus strand). Cytogenetic location: 1q41.
Variant type: Deletion.
Identifiers: ClinVar variation 2427736 (VCV002427736.4).

ClinVar aggregate classification (germline): Pathogenic (1 of 4 stars; one submission).

Submission:

Labcorp Genetics (formerly Invitae), Labcorp
Classification: Pathogenic. Last evaluated: 2022-04-08. Review status: criteria provided, single submitter. Criteria: Invitae Variant Classification Sherloc (09022015). Collection method: clinical testing. Allele origin: germline.
Comment: This variant is a gross deletion of the genomic region encompassing exon(s) 22-64 of the USH2A gene. This deletion is out-of-frame, and is expected to create a premature termination codon and result in an absent or disrupted protein product. Loss-of-function variants in USH2A are known to be pathogenic (PMID: 10729113, 10909849, 20507924, 25649381). This variant has not been reported in the literature in individuals affected with USH2A-related conditions. For these reasons, this variant has been classified as Pathogenic.

Literature cited by the submitters: PubMed 10729113; PubMed 10909849; PubMed 20507924; PubMed 25649381.